The following is an entry in ClinVar:

NC_000016.10:g.(?_2039924)_(2060823_?)dup

Genes: NTHL1 (nth like DNA glycosylase 1; minus strand), TSC2 (TSC complex subunit 2; plus strand). Cytogenetic location: 16p13.3.
Variant type: Duplication.
Identifiers: ClinVar variation 1019530 (VCV001019530.2).

ClinVar aggregate classification (germline): Uncertain significance. Review status: criteria provided, single submitter (1 of 4 stars). 2 submissions from 1 submitter: Uncertain significance (1). 1 of the submissions does not count toward it. Last evaluated 2022-10-27.

Conditions:
Tuberous sclerosis 2 (TSC2). Identifiers: Orphanet 805, MedGen C1860707, MONDO:0013199, OMIM 613254.

Submissions (2):

Labcorp Genetics (formerly Invitae), Labcorp
Classification: Uncertain significance for Tuberous sclerosis 2. Last evaluated: 2022-10-27. Review status: criteria provided, single submitter. Criteria: Invitae Variant Classification Sherloc (09022015). Collection method: clinical testing. Allele origin: germline.
Comment: This variant results in a copy number gain of the genomic region encompassing exon(s) 1-11 of the TSC2 gene. This region includes the initiator codon of the gene. This copy number gain extends beyond the assayed region for this gene and therefore may encompass additional genes. As the precise location of this event is unknown, it may be in tandem or it may be located elsewhere in the genome. This variant has not been reported in the literature in individuals affected with TSC2-related conditions. In summary, the available evidence is currently insufficient to determine the role of this variant in disease. Therefore, it has been classified as a Variant of Uncertain Significance.

Labcorp Genetics (formerly Invitae), Labcorp
Classification: Uncertain significance. Last evaluated: 2019-12-11. Review status: flagged submission. Criteria: Invitae Variant Classification Sherloc (09022015). Collection method: clinical testing. Allele origin: germline. Not counted in ClinVar's aggregate classification.
Comment: This variant results in a copy number gain of the genomic region encompassing the full coding sequence of the NTHL1 gene. The boundaries of this event are unknown as they extend beyond the assayed region for this gene and therefore may encompass additional genes. As the precise location of this event is unknown, it may be in tandem or it may be located elsewhere in the genome. This variant has not been reported in the literature in individuals with NTHL1-related conditions. In summary, the available evidence is currently insufficient to determine the role of this variant in disease. Therefore, it has been classified as a Variant of Uncertain Significance.
ClinVar note: Reason: This record appears to be redundant with a more recent record from the same submitter.
ClinVar note: Notes: SCV001194379 appears to be redundant with SCV001509693.